The following is an entry in ClinVar:

NM_015693.4(INTU):c.737G>C (p.Arg246Thr)

Gene: INTU (inturned planar cell polarity protein; plus strand). Cytogenetic location: 4q28.1.
Variant type: single nucleotide variant.
Coding change: c.737G>C on transcript NM_015693.4 (MANE Select); coding-DNA position 737, G replaced by C.
Protein change: p.Arg246Thr; replaces arginine 246 with threonine.
Molecular consequence: missense variant.
Genome position (GRCh38, 1-based): chr4:127,656,690, G>C. VCF-style: chr4-127656690-G-C. GRCh37 (hg19) VCF-style: chr4-128577845-G-C.
Other names: short protein forms R246T.
Identifiers: ClinVar variation 2879319 (VCV002879319.3), dbSNP rs551295272, ClinGen allele CA358137531.

ClinVar aggregate classification (germline): Uncertain significance (1 of 4 stars; one submission).

gnomAD v4.1: 4 of 1,611,008 alleles (0.00025%); highest among the groups gnomAD compares: Non-Finnish European, 0.00034%; no homozygotes.

Submission:

Labcorp Genetics (formerly Invitae), Labcorp
Classification: Uncertain significance. Last evaluated: 2022-11-24. Review status: criteria provided, single submitter. Criteria: Invitae Variant Classification Sherloc (09022015). Collection method: clinical testing. Allele origin: germline.
Comment: In summary, the available evidence is currently insufficient to determine the role of this variant in disease. Therefore, it has been classified as a Variant of Uncertain Significance. Advanced modeling of protein sequence and biophysical properties (such as structural, functional, and spatial information, amino acid conservation, physicochemical variation, residue mobility, and thermodynamic stability) performed at Invitae indicates that this missense variant is not expected to disrupt INTU protein function. This variant has not been reported in the literature in individuals affected with INTU-related conditions. This variant is not present in population databases (gnomAD no frequency). This sequence change replaces arginine, which is basic and polar, with threonine, which is neutral and polar, at codon 246 of the INTU protein (p.Arg246Thr).